The following is an entry in ClinVar:

ClinVar aggregate classification (germline): Conflicting classifications of pathogenicity. Review status: criteria provided, conflicting classifications (1 of 4 stars). 3 submissions from 3 submitters: Uncertain significance (2); Benign (1). Last evaluated 2025-11-18.

Conditions:
Spastic paraplegia. Identifiers: MedGen C0037772, HP:0001258.
Inborn genetic diseases. Identifiers: MedGen C0950123, MeSH D030342.

Submissions (4):

Labcorp Genetics (formerly Invitae), Labcorp
Classification: Benign for Spastic paraplegia. Last evaluated: 2025-11-18. Review status: criteria provided, single submitter. Criteria: Invitae Variant Classification Sherloc (09022015). Collection method: clinical testing. Allele origin: germline.

Ambry Genetics
Classification: Uncertain significance for Inborn genetic diseases. Last evaluated: 2025-09-25. Review status: criteria provided, single submitter. Criteria: Ambry Variant Classification Scheme 2023. Collection method: clinical testing. Allele origin: germline.
Comment: The c.1198A>G (p.M400V) alteration is located in exon 9 (coding exon 9) of the KDM5C gene. This alteration results from a A to G substitution at nucleotide position 1198, causing the methionine (M) at amino acid position 400 to be replaced by a valine (V). This variant was not reported in population-based cohorts in the Genome Aggregation Database (gnomAD). This amino acid position is highly conserved in available vertebrate species. This missense alteration is located in a region that has a low rate of benign missense variation (Lek, 2016; Firth, 2009). This alteration is predicted to be deleterious by in silico analysis. Based on insufficient or conflicting evidence, the clinical significance of this alteration remains unclear.

GeneDx
Classification: Uncertain significance. Last evaluated: 2025-05-27. Review status: criteria provided, single submitter. Criteria: GeneDx Variant Classification Process June 2021. Collection method: clinical testing. Allele origin: germline. Affected: yes.
Comment: Not observed at significant frequency in large population cohorts (gnomAD); In silico analysis supports that this missense variant has a deleterious effect on protein structure/function; Has not been previously published as pathogenic or benign to our knowledge

Dr. Peter K. Rogan Lab, Western University
No classification provided (evidence only). Condition: Nonpapillary renal cell carcinoma. Review status: no classification provided. Collection method: in vitro. Allele origin: not applicable. Functional consequence: retained intron. Not counted in ClinVar's aggregate classification.

NM_004187.5(KDM5C):c.1198A>G (p.Met400Val)

Gene: KDM5C (lysine demethylase 5C; minus strand). Cytogenetic location: Xp11.22.
Variant type: single nucleotide variant.
Coding change: c.1198A>G on transcript NM_004187.5 (MANE Select); coding-DNA position 1198, A replaced by G.
Protein change: p.Met400Val; replaces methionine 400 with valine.
Molecular consequence: missense variant. On other transcripts: non-coding transcript variant (3).
Genome position (GRCh38, 1-based): chrX:53,211,831, T>C on the plus strand (A>G on the coding strand, the complement: KDM5C is on the minus strand). VCF-style: chrX-53211831-T-C. GRCh37 (hg19) VCF-style: chrX-53241013-T-C.
Other names: NC_000023.10:g.53241013T>C; c.997A>G, p.Met333Val (NM_001146702.2); c.1195A>G, p.Met399Val (NM_001282622.3, NM_001353979.2, NM_001353982.2); c.1198A>G, p.Met400Val (NM_001353978.3, NM_001353981.2, NM_001353984.2); c.1198A>G (NM_004187.2, NM_004187.3); short protein forms M333V, M399V, M400V.
Identifiers: ClinVar variation 4492729 (VCV004492729.4).